The following is an entry in ClinVar:

NM_001039591.3(USP9X):c.655-3C>T

Gene: USP9X (ubiquitin specific peptidase 9 X-linked; plus strand). Cytogenetic location: Xp11.4.
Variant type: single nucleotide variant.
Coding change: c.655-3C>T on transcript NM_001039591.3 (MANE Select); 3 bases into the intron before coding-DNA position 655, C replaced by T.
Molecular consequence: intron variant.
Genome position (GRCh38, 1-based): chrX:41,140,653, C>T. VCF-style: chrX-41140653-C-T. GRCh37 (hg19) VCF-style: chrX-40999906-C-T.
Other names: c.655-3C>T (NM_001410748.1, NM_001410749.1, NM_001437534.1 and 1 more transcripts).
Identifiers: ClinVar variation 4755599 (VCV004755599.1).
Genomic context (GRCh38, chrX:41,140,653, plus strand): 5'-TTTTTTTCGTGCTTTTTACCCTTTAAAGTAGGAAGTTAACTTTTTTCATTAATTGTGTTA[C>T]AGGGTTGGCTAGTGGATCTTCTCAACAAATTTGGCACTTTAAATGGGTTCCAGATTTTGC-3'

ClinVar aggregate classification (germline): Uncertain significance (1 of 4 stars; one submission).

Submission:

GeneDx
Classification: Uncertain significance. Last evaluated: 2025-08-06. Review status: criteria provided, single submitter. Criteria: GeneDx Variant Classification Process June 2021. Collection method: clinical testing. Allele origin: germline. Affected: yes.
Comment: Not observed at significant frequency in large population cohorts (gnomAD); In silico analysis suggests that this variant does not alter splicing; Has not been previously published as pathogenic or benign to our knowledge